The following is an entry in ClinVar:

ClinVar aggregate classification (germline): Likely pathogenic (1 of 4 stars; one submission).

Conditions:
Achondrogenesis, type IB (ACG1B). Also called: Achondrogenesis Type 1B. Identifiers: Orphanet 932, Orphanet 93298, MedGen C0265274, MONDO:0010966, OMIM 600972.
Diastrophic dysplasia (DTD). Also called: Diastrophic dwarfism. Identifiers: Orphanet 628, MedGen C0220726, MONDO:0009107, OMIM 222600.
Multiple epiphyseal dysplasia type 4 (EDM4). Also called: SLC26A2-Related Multiple Epiphyseal Dysplasia; Multiple Epiphyseal Dysplasia, Recessive; MULTIPLE EPIPHYSEAL DYSPLASIA WITH BILAYERED PATELLAE; MULTIPLE EPIPHYSEAL DYSPLASIA WITH CLUBFOOT; MULTIPLE EPIPHYSEAL DYSPLASIA, AUTOSOMAL RECESSIVE. Identifiers: Orphanet 93307, MedGen C1847593, MONDO:0009189, OMIM 226900.
Atelosteogenesis type II (AO2). Also called: NEONATAL OSSEOUS DYSPLASIA I; Neonatal osseous dysplasia 1; SLC26A2-Related Atelosteogenesis. Identifiers: Orphanet 56304, MedGen C1850554, MONDO:0009727, OMIM 256050.

Submission:

Labcorp Genetics (formerly Invitae), Labcorp
Classification: Likely pathogenic for Atelosteogenesis type II; Multiple epiphyseal dysplasia type 4; Achondrogenesis, type IB; Diastrophic dysplasia. Last evaluated: 2021-12-23. Review status: criteria provided, single submitter. Criteria: Invitae Variant Classification Sherloc (09022015). Collection method: clinical testing. Allele origin: germline.
Comment: This sequence change replaces alanine, which is neutral and non-polar, with threonine, which is neutral and polar, at codon 715 of the SLC26A2 protein (p.Ala715Thr). This variant is not present in population databases (gnomAD no frequency). This missense change has been observed in individual(s) with clinical features of SLC26A2-related conditions (Invitae). Advanced modeling of protein sequence and biophysical properties (such as structural, functional, and spatial information, amino acid conservation, physicochemical variation, residue mobility, and thermodynamic stability) performed at Invitae indicates that this missense variant is expected to disrupt SLC26A2 protein function. This variant disrupts the p.Ala715 amino acid residue in SLC26A2. Other variant(s) that disrupt this residue have been determined to be pathogenic (PMID: 8571951, 11448940, 15294877, 21077204, 21922596). This suggests that this residue is clinically significant, and that variants that disrupt this residue are likely to be disease-causing. In summary, the currently available evidence indicates that the variant is pathogenic, but additional data are needed to prove that conclusively. Therefore, this variant has been classified as Likely Pathogenic.

Literature cited by the submitters: PubMed 8571951; PubMed 11448940; PubMed 15294877; PubMed 21077204; PubMed 21922596.

NM_000112.4(SLC26A2):c.2143G>A (p.Ala715Thr)

Gene: SLC26A2 (solute carrier family 26 member 2; plus strand). Cytogenetic location: 5q32.
Variant type: single nucleotide variant.
Coding change: c.2143G>A on transcript NM_000112.4 (MANE Select); coding-DNA position 2143, G replaced by A.
Protein change: p.Ala715Thr; replaces alanine 715 with threonine.
Molecular consequence: missense variant.
Genome position (GRCh38, 1-based): chr5:149,981,736, G>A. VCF-style: chr5-149981736-G-A. GRCh37 (hg19) VCF-style: chr5-149361299-G-A.
Other names: short protein forms A715T.
Identifiers: ClinVar variation 1476810 (VCV001476810.6), dbSNP rs759438521, ClinGen allele CA361709909.